The following is an entry in ClinVar:

NM_000492.4(CFTR):c.169T>G (p.Trp57Gly)

Genes: CFTR (CF transmembrane conductance regulator; plus strand), LOC113664106 (CFTR intron 2 DNase I hypersensitive site; plus strand). Cytogenetic location: 7q31.2.
Variant type: single nucleotide variant.
Coding change: c.169T>G on transcript NM_000492.4 (MANE Select); coding-DNA position 169, T replaced by G.
Protein change: p.Trp57Gly; replaces tryptophan 57 with glycine.
Molecular consequence: missense variant.
Genome position (GRCh38, 1-based): chr7:117,509,038, T>G. VCF-style: chr7-117509038-T-G. GRCh37 (hg19) VCF-style: chr7-117149092-T-G.
Other names: short protein forms W57G.
Identifiers: ClinVar variation 53347 (VCV000053347.24), dbSNP rs397508272, ClinGen allele CA326617.

ClinVar aggregate classification (germline): Pathogenic. Review status: reviewed by expert panel (3 of 4 stars). 12 submissions from 12 submitters: Pathogenic (1). 11 of the submissions do not count toward it. Last evaluated 2017-12-08.

Conditions:
CFTR-related disorder (CFTR-RD). Also called: CFTR-related condition; CFTR-related disorders. Identifiers: MedGen C5924204, MONDO:7770004.
Bronchiectasis with or without elevated sweat chloride 1 (BESC1). Also called: Cystic Fibrosis-Like Syndrome. Identifiers: Orphanet 60033, MedGen C2749757, MONDO:0008887, OMIM 211400.
Cystic fibrosis (CF). Also called: MUCOVISCIDOSIS. Identifiers: Orphanet 586, MedGen C0010674, MONDO:0009061, OMIM 219700. Disease mechanism: loss of function.

Submissions (12):

CFTR2
Classification: Pathogenic for Cystic fibrosis. Last evaluated: 2017-12-08. Review status: reviewed by expert panel. Criteria: Sosnay PR et al. (Nat Genet 2013). Collection method: research. Allele origin: germline. Affected: yes.

Women's Health and Genetics/Laboratory Corporation of America, LabCorp
Classification: Pathogenic for Cystic fibrosis. Last evaluated: 2024-10-02. Review status: criteria provided, single submitter. Criteria: LabCorp Variant Classification Summary - May 2015. Collection method: clinical testing. Allele origin: germline. Not counted in ClinVar's aggregate classification.
Comment: Variant summary: CFTR c.169T>G (p.Trp57Gly) results in a non-conservative amino acid change in the encoded protein sequence. Four of five in-silico tools predict a damaging effect of the variant on protein function. The variant was absent in 250754 control chromosomes. c.169T>G has been reported in the literature in multiple individuals affected with Cystic Fibrosis (e.g. McCague_2019, Brancolini_1995). These data indicate that the variant is very likely to be associated with disease. At least one publication reports experimental evidence evaluating an impact on protein function. The most pronounced variant effect results in 0.75% of normal activity. The following publications have been ascertained in the context of this evaluation (PMID: 38388235, 7544319, 30888834). ClinVar contains an entry for this variant (Variation ID: 53347). Based on the evidence outlined above, the variant was classified as pathogenic.

Dasa
Classification: Pathogenic. Last evaluated: 2024-06-25. Review status: criteria provided, single submitter. Criteria: DASA Assertion Criteria. Collection method: clinical testing. Allele origin: germline. Not counted in ClinVar's aggregate classification.
Comment: NM_000492.4(CFTR):c.169T>G (p.Trp57Gly) is a missense variant that results in the substitution of tryptophan with glycine. Functional evidence supports a deleterious effect on the gene or gene product (PMID: 29805046; PMID: 33781744; PMID: 35008443; PMID: 7544319; PMID: 23276700). This variant has been recurrently observed in individuals with related phenotype (PMID: 29805046; PMID: 33781744; PMID: 35008443; PMID: 7544319; PMID: 23276700). Based on the available data, this variant is classified as pathogenic.

Natera, Inc.
Classification: Pathogenic for CFTR-related disorders. Last evaluated: 2024-05-08. Review status: criteria provided, single submitter. Criteria: Natera Variant Classification Schema (03/2026). Collection method: clinical testing. Allele origin: germline. Not counted in ClinVar's aggregate classification.
Comment: The c.169T>G variant in CFTR is a missense variant predicted to cause substitution of tryptophan to glycine at amino acid 57. This variant is rare in the general population with a frequency below the threshold expected for the associated phenotype(s). This variant has been observed in one or more individuals affected with the associated recessive disease, as either homozygous or compound heterozygous with a second variant (PMID: 30888834). Given the available evidence, this variant is classified as Pathogenic.

Labcorp Genetics (formerly Invitae), Labcorp
Classification: Pathogenic for Cystic fibrosis. Last evaluated: 2024-03-05. Review status: criteria provided, single submitter. Criteria: Invitae Variant Classification Sherloc (09022015). Collection method: clinical testing. Allele origin: germline. Not counted in ClinVar's aggregate classification.
Comment: This sequence change replaces tryptophan, which is neutral and slightly polar, with glycine, which is neutral and non-polar, at codon 57 of the CFTR protein (p.Trp57Gly). This variant is not present in population databases (gnomAD no frequency). This missense change has been observed in individual(s) with cystic fibrosis (PMID: 7544319, 23974870). ClinVar contains an entry for this variant (Variation ID: 53347). Advanced modeling of protein sequence and biophysical properties (such as structural, functional, and spatial information, amino acid conservation, physicochemical variation, residue mobility, and thermodynamic stability) performed at Invitae indicates that this missense variant is expected to disrupt CFTR protein function with a positive predictive value of 80%. Experimental studies have shown that this missense change affects CFTR function (PMID: 29805046). This variant disrupts the p.Trp57 amino acid residue in CFTR. Other variant(s) that disrupt this residue have been observed in individuals with CFTR-related conditions (Invitae), which suggests that this may be a clinically significant amino acid residue. For these reasons, this variant has been classified as Pathogenic.

Baylor Genetics
Classification: Pathogenic for Bronchiectasis with or without elevated sweat chloride 1. Last evaluated: 2023-06-23. Review status: criteria provided, single submitter. Criteria: ACMG Guidelines, 2015. Collection method: clinical testing. Allele origin: unknown. Not counted in ClinVar's aggregate classification.

ARUP Laboratories, Molecular Genetics and Genomics, ARUP Laboratories
Classification: Pathogenic. Last evaluated: 2022-09-01. Review status: criteria provided, single submitter. Criteria: ARUP Molecular Germline Variant Investigation Process 2021. Collection method: clinical testing. Allele origin: germline. Not counted in ClinVar's aggregate classification.
Comment: The CFTR c.169T>G; p.Trp57Gly variant (rs397508272) is reported in the literature in several individuals affected with cystic fibrosis (Brancolini 1995; Raraigh 2018). Functional analyses of the variant protein show it has a deleterious effect on protein folding, maturation, and function (Sabusap 2021). This variant is reported as pathogenic by an expert panel in ClinVar (Variation ID: 53347) and is also absent from the Genome Aggregation Database, indicating it is not a common polymorphism. The tryptophan at codon 57 is highly conserved, and computational analyses predict that this variant is deleterious (REVEL: 0.834). Based on available information, this variant is considered to be pathogenic. References: Brancolini V et al. Search for mutations in pancreatic sufficient cystic fibrosis Italian patients: detection of 90% of molecular defects and identification of three novel mutations. Hum Genet. 1995 Sep;96(3):312-8. PMID: 7544319. Raraigh KS et al. Functional Assays Are Essential for Interpretation of Missense Variants Associated with Variable Expressivity. Am J Hum Genet. 2018 Jun 7;102(6):1062-1077. PMID: 29805046. Sabusap CM et al. The CFTR P67L variant reveals a key role for N-terminal lasso helices in channel folding, maturation, and pharmacologic rescue. J Biol Chem. 2021. Jan-Jun;296:100598. PMID: 33781744.

CFTR-France
Classification: Pathogenic for Cystic fibrosis. Last evaluated: 2020-03-26. Review status: criteria provided, single submitter. Criteria: Claustres M et al. (Hum Mutat 2017). Collection method: curation. Allele origin: germline. Affected: yes. Not counted in ClinVar's aggregate classification.

Mendelics
Classification: Pathogenic for Cystic fibrosis. Last evaluated: 2018-11-05. Review status: criteria provided, single submitter. Criteria: Mendelics Assertion Criteria 2017. Collection method: clinical testing. Allele origin: unknown. Affected: yes. Not counted in ClinVar's aggregate classification.

Ambry Genetics
Classification: Pathogenic for Cystic fibrosis. Last evaluated: 2018-05-09. Review status: criteria provided, single submitter. Criteria: Ambry Variant Classification Scheme 2023. Collection method: clinical testing. Allele origin: germline. Not counted in ClinVar's aggregate classification.
Comment: The p.W57G pathogenic mutation (also known as c.169T>G), located in coding exon 3 of the CFTR gene, results from a T to G substitution at nucleotide position 169. The tryptophan at codon 57 is replaced by glycine, an amino acid with highly dissimilar properties. This mutation (referred to as 301T>G) was described in a patient with cystic fibrosis (CF) who had a second pathogenic mutation on the other allele (Brancolini V et al. Hum. Genet., 1995 Sep;96:312-8). It was also reportedly detected on two CF alleles in a Czech cohort (Kenkov&aacute; P et al. J. Cyst. Fibros., 2013 Sep;12:532-7). This amino acid position is highly conserved in available vertebrate species. Based on internal structural analysis, this mutation is more disruptive than known pathogenic variants nearby (Liu F et al. Cell, 2017 Mar;169:85-95.e8). In addition, in vitro studies showed that this tryptophan residue is essential for processing of the CFTR protein and W57G has almost no CFTR function (Cormet-Boyaka E et al. Proc. Natl. Acad. Sci. U.S.A., 2004 May;101:8221-6; The Clinical and Functional TRanslation of CFTR (CFTR2); available at CFTR2. Accessed <May 9, 2018>). Based on the supporting evidence, this alteration is interpreted as a disease-causing mutation.

PreventionGenetics, part of Exact Sciences
Classification: Pathogenic for CFTR-related condition. Last evaluated: 2024-01-26. Review status: no assertion criteria provided. Collection method: clinical testing. Allele origin: germline. Not counted in ClinVar's aggregate classification.
Comment: The CFTR c.169T>G variant is predicted to result in the amino acid substitution p.Trp57Gly. This variant has been reported in the compound heterozygous state in multiple individuals with cystic fibrosis (Table 2, Brancolini et al. 1995. PubMed ID: 7544319; Table 1, Křenková et al. 2013. PubMed ID: 23276700; Table S4, Raraigh et al. 2022. PubMed ID: 34782259; CFTR2 database; CFTR-France database). Multiple in vitro studies have demonstrated that this variant disrupts CFTR protein processing and trafficking to the cell membrane, leading to a complete loss of chloride channel function (Raraigh et al. 2018. PubMed ID: 29805046; Sabusap et al. 2021. PubMed ID: 33781744; Ramalho et al. 2022. PubMed ID: 35008443). This variant has not been reported in a large population database, indicating this variant is rare. A different missense variant at the same amino acid (p.Trp57Arg) has also been reported in individuals with cystic fibrosis (Table 1, Kinnunen et al. 2005. PubMed ID: 16051530; Table 2, De Wachter et al. 2017. PubMed ID: 28830496; Table 1, Auzenbaha et al. 2022. PubMed ID: 36428953). Taken together, the p.Trp57Gly variant is interpreted as pathogenic.

ClinVar Staff, National Center for Biotechnology Information (NCBI)
No classification provided. Condition: CFTR-related disorders. Review status: no classification provided. Collection method: literature only. Allele origin: germline. Affected: yes. Not counted in ClinVar's aggregate classification.

Literature cited by the submitters: PubMed 7544319 (cited by 5 submitters); PubMed 30888834 (cited by Women's Health and Genetics/Laboratory Corporation of America, LabCorp and Natera, Inc.); PubMed 38388235 (cited by Women's Health and Genetics/Laboratory Corporation of America, LabCorp); PubMed 29805046 (cited by Dasa and Labcorp Genetics (formerly Invitae), Labcorp); PubMed 33781744 (cited by Dasa); PubMed 35008443 (cited by Dasa); PubMed 23276700 (cited by Dasa and Ambry Genetics); PubMed 23974870 (cited by Labcorp Genetics (formerly Invitae), Labcorp); PubMed 15141088 (cited by Ambry Genetics); PubMed 28340353 (cited by Ambry Genetics).